The following is an entry in ClinVar:

ClinVar aggregate classification (germline): Benign. Review status: criteria provided, multiple submitters, no conflicts (2 of 4 stars). 5 submissions from 5 submitters: Benign (5). Last evaluated 2023-11-12.

Conditions:
Familial hemophagocytic lymphohistiocytosis 5. Also called: STXBP2-Related Familial Hemophagocytic Lymphohistiocytosis (STXBP2-fHLH). Identifiers: Orphanet 540, MedGen C2751293, MONDO:0013135, OMIM 613101.

Allele frequency attached by ClinVar (database versions not stated): gnomAD exomes 0.38593 and 0.42412; ExAC 0.39318; ESP Exome Variant Server 0.41943; gnomAD 0.46002 and 0.46009; TOPMed 0.46141; 1000 Genomes Project 30x 0.52217; 1000 Genomes Project 0.52696.
gnomAD v4.1: 607,751 of 1,543,710 alleles (39%); highest among the groups gnomAD compares: East Asian, 72%; 125,034 homozygotes.

Submissions (5):

Unidad de Genómica Garrahan, Hospital de Pediatría Garrahan
Classification: Benign. Last evaluated: 2023-11-12. Review status: criteria provided, single submitter. Criteria: ACMG Guidelines, 2015. Collection method: clinical testing. Allele origin: germline. Affected: no. Observed: 68 variant alleles.
Comment: This variant is classified as Benign based on local population frequency. This variant was detected in 71% of patients studied by a panel of primary immunodeficiencies. Number of patients: 68. Only high quality variants are reported.

Genome-Nilou Lab
Classification: Benign for Familial hemophagocytic lymphohistiocytosis 5. Last evaluated: 2021-07-15. Review status: criteria provided, single submitter. Criteria: ACMG Guidelines, 2015. Collection method: clinical testing. Allele origin: germline. Affected: no.

GeneDx
Classification: Benign. Last evaluated: 2021-06-19. Review status: criteria provided, single submitter. Criteria: GeneDx Variant Classification Process June 2021. Collection method: clinical testing. Allele origin: germline. Affected: yes.

Breakthrough Genomics
Classification: Benign. Review status: criteria provided, single submitter. Criteria: ACMG Guidelines, 2015. Collection method: not provided. Allele origin: germline. Inheritance: Autosomal recessive inheritance. Affected: yes.

PreventionGenetics, part of Exact Sciences
Classification: Benign. Review status: criteria provided, single submitter. Criteria: ACMG Guidelines, 2015. Collection method: clinical testing. Allele origin: germline.

NM_006949.4(STXBP2):c.1247-43T>C

Gene: STXBP2 (syntaxin binding protein 2; plus strand). Cytogenetic location: 19p13.2.
Variant type: single nucleotide variant.
Coding change: c.1247-43T>C on transcript NM_006949.4 (MANE Select); 43 bases into the intron before coding-DNA position 1247, T replaced by C.
Molecular consequence: intron variant.
Genome position (GRCh38, 1-based): chr19:7,645,154, T>C. VCF-style: chr19-7645154-T-C. GRCh37 (hg19) VCF-style: chr19-7710040-T-C.
Other names: c.1280-43T>C (NM_001272034.2); c.1238-43T>C (NM_001127396.3).
Identifiers: ClinVar variation 260087 (VCV000260087.8), dbSNP rs929807, ClinGen allele CA9144071.